The following is an entry in ClinVar:

ClinVar aggregate classification (germline): Uncertain significance (1 of 4 stars; one submission).

Conditions:
Cardiomyopathy (CMYO). Also called: Cardiomyopathies. Identifiers: Orphanet 167848, MedGen C0878544, MONDO:0004994, HP:0001638. Inheritance: Various modes of inheritance.

gnomAD v4.1: 1 of 1,613,790 alleles (0.000062%); highest among the groups gnomAD compares: South Asian, 0.0011%; no homozygotes.

Submission:

Color Diagnostics, LLC DBA Color Health
Classification: Uncertain significance for Cardiomyopathy. Last evaluated: 2025-07-07. Review status: criteria provided, single submitter. Criteria: ACMG Guidelines, 2015. Collection method: clinical testing. Allele origin: germline.
Comment: This missense variant replaces histidine with asparagine at codon 2217 of the RYR2 protein. Computational prediction suggests that this variant may have deleterious impact on protein structure and function. To our knowledge, functional studies have not been reported for this variant. This variant has not been reported in individuals affected with RYR2-related disorders in the literature. This variant has not been identified in the general population by the Genome Aggregation Database (gnomAD). The available evidence is insufficient to determine the role of this variant in disease conclusively. Therefore, this variant is classified as a Variant of Uncertain Significance.

NM_001035.3(RYR2):c.6649C>A (p.His2217Asn)

Gene: RYR2 (ryanodine receptor 2; plus strand). Cytogenetic location: 1q43.
Variant type: single nucleotide variant.
Coding change: c.6649C>A on transcript NM_001035.3 (MANE Select); coding-DNA position 6649, C replaced by A.
Protein change: p.His2217Asn; replaces histidine 2217 with asparagine.
Molecular consequence: missense variant.
Genome position (GRCh38, 1-based): chr1:237,633,671, C>A. VCF-style: chr1-237633671-C-A. GRCh37 (hg19) VCF-style: chr1-237796971-C-A.
Other names: short protein forms H2217N.
Identifiers: ClinVar variation 4757578 (VCV004757578.1).